The following is an entry in ClinVar:

ClinVar aggregate classification (germline): Conflicting classifications of pathogenicity. Review status: criteria provided, conflicting classifications (1 of 4 stars). 6 submissions from 6 submitters: Uncertain significance (3); Likely benign (2). 1 of the submissions does not count toward it. Last evaluated 2024-05-14.

Conditions:
Hereditary breast ovarian cancer syndrome. Also called: Hereditary breast and ovarian cancer syndrome; Hereditary breast and ovarian cancer; Hereditary breast and ovarian cancer syndrome (HBOC); Breast and ovarian cancer; Hereditary breast and/or ovarian cancer syndrome; BRCA1- and BRCA2-Associated Hereditary Breast and Ovarian Cancer. Identifiers: Orphanet 145, MedGen C0677776, MeSH D061325, MONDO:0003582. Disease mechanism: loss of function.
Breast-ovarian cancer, familial, susceptibility to, 2 (BROVCA2). Also called: BRCA2 Hereditary Breast and Ovarian Cancer. Identifiers: Orphanet 145, MedGen C2675520, MONDO:0012933, OMIM 612555. Disease mechanism: loss of function.
Hereditary cancer-predisposing syndrome. Also called: Neoplastic Syndromes, Hereditary; Tumor predisposition; Hereditary neoplastic syndrome; Hereditary Cancer Syndrome. Identifiers: Orphanet 140162, MedGen C0027672, MeSH D009386, MONDO:0015356.

Allele frequency attached by ClinVar (database versions not stated): TOPMed below 0.00001.

Submissions (6):

Myriad Genetics, Inc.
Classification: Likely benign for Breast-ovarian cancer, familial, susceptibility to, 2. Last evaluated: 2024-05-14. Review status: criteria provided, single submitter. Criteria: Myriad Autosomal Dominant, Autosomal Recessive and X-Linked Classification Criteria (2023). Collection method: clinical testing. Allele origin: unknown.
Comment: This variant is considered likely benign. This variant is strongly associated with less severe personal and family histories of cancer, typical for individuals without pathogenic variants in this gene [PMID: 25085752].

Ambry Genetics
Classification: Uncertain significance for Hereditary cancer-predisposing syndrome. Last evaluated: 2024-03-21. Review status: criteria provided, single submitter. Criteria: Ambry Variant Classification Scheme 2023. Collection method: clinical testing. Allele origin: germline.
Comment: The p.Q1994R variant (also known as c.5981A>G), located in coding exon 10 of the BRCA2 gene, results from an A to G substitution at nucleotide position 5981. The glutamine at codon 1994 is replaced by arginine, an amino acid with highly similar properties. This amino acid position is poorly conserved in available vertebrate species. In addition, the in silico prediction for this alteration is inconclusive. Since supporting evidence is limited at this time, the clinical significance of this alteration remains unclear.

Labcorp Genetics (formerly Invitae), Labcorp
Classification: Uncertain significance for Hereditary breast ovarian cancer syndrome. Last evaluated: 2023-07-05. Review status: criteria provided, single submitter. Criteria: Invitae Variant Classification Sherloc (09022015). Collection method: clinical testing. Allele origin: germline.
Comment: Advanced modeling of protein sequence and biophysical properties (such as structural, functional, and spatial information, amino acid conservation, physicochemical variation, residue mobility, and thermodynamic stability) performed at Invitae indicates that this missense variant is not expected to disrupt BRCA2 protein function. ClinVar contains an entry for this variant (Variation ID: 51980). This variant has not been reported in the literature in individuals affected with BRCA2-related conditions. This variant is not present in population databases (gnomAD no frequency). This sequence change replaces glutamine, which is neutral and polar, with arginine, which is basic and polar, at codon 1994 of the BRCA2 protein (p.Gln1994Arg). In summary, the available evidence is currently insufficient to determine the role of this variant in disease. Therefore, it has been classified as a Variant of Uncertain Significance.

University of Washington Department of Laboratory Medicine, University of Washington
Classification: Likely benign for Hereditary cancer-predisposing syndrome. Last evaluated: 2023-03-23. Review status: criteria provided, single submitter. Criteria: Dines et al. (Genet Med. 2020). Collection method: curation. Allele origin: germline.
Comment: Missense variant in a coldspot region where missense variants are very unlikely to be pathogenic (PMID:31911673).

BRCA2 exon 11 coldspot. Reclassification based on statistical prior probability.

Color Diagnostics, LLC DBA Color Health
Classification: Uncertain significance for Hereditary cancer-predisposing syndrome. Last evaluated: 2019-05-07. Review status: criteria provided, single submitter. Criteria: ACMG Guidelines, 2015. Collection method: clinical testing. Allele origin: germline.

Breast Cancer Information Core (BIC) (BRCA2)
Classification: Uncertain significance for Breast-ovarian cancer, familial 2. Last evaluated: 2003-12-23. Review status: no assertion criteria provided. Collection method: clinical testing. Allele origin: germline. Affected: yes. Observed: 1 variant allele. Not counted in ClinVar's aggregate classification.

Literature cited by the submitters: PubMed 25085752 (cited by Myriad Genetics, Inc.).

NM_000059.4(BRCA2):c.5981A>G (p.Gln1994Arg)

Gene: BRCA2 (BRCA2 DNA repair associated; plus strand). Cytogenetic location: 13q13.1.
Variant type: single nucleotide variant.
Coding change: c.5981A>G on transcript NM_000059.4 (MANE Select); coding-DNA position 5981, A replaced by G.
Protein change: p.Gln1994Arg; replaces glutamine 1994 with arginine.
Molecular consequence: missense variant.
Genome position (GRCh38, 1-based): chr13:32,340,336, A>G. VCF-style: chr13-32340336-A-G. GRCh37 (hg19) VCF-style: chr13-32914473-A-G.
Other names: short protein forms Q1994R.
Identifiers: ClinVar variation 51980 (VCV000051980.19), dbSNP rs80358832, ClinGen allele CA023444.